The following is an entry in ClinVar:

NM_001563.4(IMPG1):c.1518C>G (p.Ser506Arg)

Gene: IMPG1 (interphotoreceptor matrix proteoglycan 1; minus strand). Cytogenetic location: 6q14.1.
Variant type: single nucleotide variant.
Coding change: c.1518C>G on transcript NM_001563.4 (MANE Select); coding-DNA position 1518, C replaced by G.
Protein change: p.Ser506Arg; replaces serine 506 with arginine.
Molecular consequence: missense variant.
Genome position (GRCh38, 1-based): chr6:75,950,868, G>C on the plus strand (C>G on the coding strand, the complement: IMPG1 is on the minus strand). VCF-style: chr6-75950868-G-C. GRCh37 (hg19) VCF-style: chr6-76660585-G-C.
Other names: c.1284C>G, p.Ser428Arg (NM_001282368.2); short protein forms S428R, S506R.
Identifiers: ClinVar variation 1052496 (VCV001052496.9), dbSNP rs1204897077, ClinGen allele CA364777801.

ClinVar aggregate classification (germline): Uncertain significance (1 of 4 stars; one submission).

Submission:

Labcorp Genetics (formerly Invitae), Labcorp
Classification: Uncertain significance. Last evaluated: 2020-03-03. Review status: criteria provided, single submitter. Criteria: Invitae Variant Classification Sherloc (09022015). Collection method: clinical testing. Allele origin: germline.
Comment: In summary, the available evidence is currently insufficient to determine the role of this variant in disease. Therefore, it has been classified as a Variant of Uncertain Significance. Algorithms developed to predict the effect of missense changes on protein structure and function output the following: SIFT: "Tolerated"; PolyPhen-2: "Benign"; Align-GVGD: "Class C0". The arginine amino acid residue is found in multiple mammalian species, suggesting that this missense change does not adversely affect protein function. These predictions have not been confirmed by published functional studies and their clinical significance is uncertain. This variant has not been reported in the literature in individuals with IMPG1-related conditions. This variant is not present in population databases (ExAC no frequency). This sequence change replaces serine with arginine at codon 506 of the IMPG1 protein (p.Ser506Arg). The serine residue is weakly conserved and there is a moderate physicochemical difference between serine and arginine.